The following is an entry in ClinVar:

NM_004370.6(COL12A1):c.9172_9173delinsAA (p.Gly3058Asn)

Gene: COL12A1 (collagen type XII alpha 1 chain; minus strand). Cytogenetic location: 6q13.
Variant type: Indel.
Coding change: c.9172_9173delinsAA on transcript NM_004370.6 (MANE Select); coding-DNA positions 9172 to 9173, GG replaced by AA.
Protein change: p.Gly3058Asn; replaces glycine 3058 with asparagine.
Molecular consequence: missense variant.
Genome position (GRCh38, 1-based): chr6:75,087,585-75,087,586, CC replaced by TT on the plus strand (GG replaced by AA on the coding strand, the reverse complement: COL12A1 is on the minus strand). VCF-style: chr6-75087585-CC-TT. GRCh37 (hg19) VCF-style: chr6-75797301-CC-TT.
Other names: c.5680_5681delinsAA, p.Gly1894Asn (NM_080645.3); short protein forms G1894N, G3058N.
Identifiers: ClinVar variation 1315694 (VCV001315694.2), dbSNP rs2149322669, ClinGen allele CA2573052735.

ClinVar aggregate classification (germline): Uncertain significance (1 of 4 stars; one submission).

Submission:

GeneDx
Classification: Uncertain significance. Last evaluated: 2019-04-11. Review status: criteria provided, single submitter. Criteria: GeneDx Variant Classification Process June 2021. Collection method: clinical testing. Allele origin: germline. Affected: yes.
Comment: Not observed in large population cohorts (Lek et al., 2016); In silico analysis, which includes protein predictors and evolutionary conservation, supports that this variant does not alter protein structure/function; Has not been previously published as pathogenic or benign to our knowledge